The following is an entry in ClinVar:

ClinVar aggregate classification (germline): Pathogenic/Likely pathogenic. Review status: criteria provided, multiple submitters, no conflicts (2 of 4 stars). 7 submissions from 7 submitters: Pathogenic (6); Likely pathogenic (1). Last evaluated 2026-07-01.

Conditions:
Glycogen storage disease, type II (IOPD). Also called: Glucosidase acid-1,4-alpha deficiency; Pompe Disease; CARDIOMEGALIA GLYCOGENICA DIFFUSA; GLYCOGENOSIS, GENERALIZED, CARDIAC FORM; GSD II; POMPE DISEASE, INFANTILE-ONSET. Identifiers: Orphanet 365, MedGen C0017921, MONDO:0009290, OMIM 232300.

Allele frequency attached by ClinVar (database versions not stated): gnomAD exomes below 0.00001; gnomAD 0.00001; TOPMed 0.00002.

Submissions (7):

Genomenon, Inc
Classification: Pathogenic for Glycogen storage disease, type II. Last evaluated: 2026-07-01. Review status: criteria provided, single submitter. Criteria: Genomenon Sequence Variant Interpretation Standards - Updated. Collection method: curation. Allele origin: germline. Affected: yes.
Comment: GAA p.Trp481GlyfsTer39 (c.1441del) is a frameshift variant that is predicted to introduce a premature termination codon and result in a truncated or absent protein product. This variant has been observed in at least one proband with a GAA-related disorder (PMID:25488666). It is absent or not present at a significant frequency in gnomAD. In conclusion, we classify GAA p.Trp481GlyfsTer39 (c.1441del) as a pathogenic variant.

Labcorp Genetics (formerly Invitae), Labcorp
Classification: Pathogenic for Glycogen storage disease, type II. Last evaluated: 2025-10-15. Review status: criteria provided, single submitter. Criteria: Invitae Variant Classification Sherloc (09022015). Collection method: clinical testing. Allele origin: germline.
Comment: This sequence change creates a premature translational stop signal (p.Trp481Glyfs*39) in the GAA gene. It is expected to result in an absent or disrupted protein product. Loss-of-function variants in GAA are known to be pathogenic (PMID: 18425781, 22252923). This variant is present in population databases (no rsID available, gnomAD 0.007%). This premature translational stop signal has been observed in individual(s) with infantile glycogen storage disease (PMID: 10189220, 25488666). ClinVar contains an entry for this variant (Variation ID: 972761). Algorithms developed to predict the effect of sequence changes on RNA splicing suggest that this variant may disrupt the consensus splice site. For these reasons, this variant has been classified as Pathogenic.

Natera, Inc.
Classification: Pathogenic for Glycogen storage disease type II. Last evaluated: 2024-08-15. Review status: criteria provided, single submitter. Criteria: Natera Variant Classification Schema (03/2026). Collection method: clinical testing. Allele origin: germline.
Comment: The c.1441delT variant in GAA is a frameshift variant predicted to shift the reading frame beginning at codon 481 and leads to a stop codon 39 codons downstream. This variant is expected to result in nonsense mediated decay, truncation, or a dysfunctional protein product. This variant is rare in the general population with a frequency below the threshold expected for the associated phenotype(s). This variant has been observed in one or more individuals affected with the associated recessive disease, as either homozygous or compound heterozygous with a second variant (PMID: 25488666). Given the available evidence, this variant is classified as Pathogenic.

GeneDx
Classification: Pathogenic. Last evaluated: 2023-08-14. Review status: criteria provided, single submitter. Criteria: GeneDx Variant Classification Process June 2021. Collection method: clinical testing. Allele origin: germline. Affected: yes.
Comment: Identified in a patient with GSD type II in published literature, however a second mutation in GAA was not identified (Raben et al., 1999); Not observed at significant frequency in large population cohorts (gnomAD); Frameshift variant predicted to result in protein truncation or nonsense mediated decay in a gene for which loss of function is a known mechanism of disease; This variant is associated with the following publications: (PMID: 25488666, 33293555, 31254424, 10189220, 2112341)

Women's Health and Genetics/Laboratory Corporation of America, LabCorp
Classification: Likely pathogenic for Glycogen storage disease, type II. Last evaluated: 2023-02-09. Review status: criteria provided, single submitter. Criteria: LabCorp Variant Classification Summary - May 2015. Collection method: clinical testing. Allele origin: germline.
Comment: Variant summary: GAA c.1441delT (p.Trp481GlyfsX39) results in a premature termination codon, predicted to cause a truncation of the encoded protein or absence of the protein due to nonsense mediated decay, which are commonly known mechanisms for disease. Truncations downstream of this position have been classified as pathogenic by our laboratory and in ClinVar. The variant allele was found at a frequency of 4e-06 in 250840 control chromosomes (gnomAD). c.1441delT has been reported in the literature in at-least one individual affected with Glycogen Storage Disease, Type 2 (Pompe Disease) (example: Raben_1999 and Raval_2015). Two submitters have provided clinical-significance assessments for this variant to ClinVar after 2014 and classified the variant as pathogenic. Based on the evidence outlined above, the variant was classified as likely pathogenic.

Revvity Omics, Revvity
Classification: Pathogenic. Last evaluated: 2021-04-14. Review status: criteria provided, single submitter. Criteria: ACMG Guidelines, 2015. Collection method: clinical testing. Allele origin: germline.

Broad Center for Mendelian Genomics, Broad Institute of MIT and Harvard
Classification: Pathogenic for Glycogen storage disease, type II. Last evaluated: 2020-01-22. Review status: criteria provided, single submitter. Criteria: ACMG Guidelines, 2015. Collection method: curation. Allele origin: germline. Inheritance: Autosomal recessive inheritance.
Comment: Although this variant has been seen in the general population, its frequency is low enough to be consistent with a recessive carrier frequency. In vitro functional studies provide some evidence that the p.Trp481GlyfsTer39 variant may result in null protein activity (PMID: 25488666, 2203258, 9614571). However, these types of assays may not accurately represent biological function. This variant is predicted to cause a frameshift, which alters the protein's amino acid sequence beginning at position 481 and leads to a premature termination codon 39 amino acids downstream. This alteration is then predicted to lead to a truncated or absent protein. Loss of function of the GAA gene is an established disease mechanism in autosomal recessive glycogen storage disease. The phenotype of an individual homozygous for this variant is highly specific for glycogen storage disease based on GAA enzyme activity in fibroblasts being <1% of wild type, consistent with disease (PMID: 2112341). Additionally, the presence of this variant in combination with reported pathogenic variant p.Trp746Ter (VariationID: 280063) and in an individual with glycogen storage disease has been reported (PMID: 25488666). In summary, this variant meets criteria to be classified as pathogenic for glycogen storage disease in an autosomal recessive manner based on its prediction to cause loss of function of the protein, the rarity of this variant in the general population, and the presence of the variant in a patient severely affected with glycogen storage disease. ACMG/AMP Criteria applied: PVS1, PM2, PP4 (Richards 2015).

Literature cited by the submitters: PubMed 25488666 (cited by 4 submitters); PubMed 18425781 (cited by Labcorp Genetics (formerly Invitae), Labcorp); PubMed 22252923 (cited by Labcorp Genetics (formerly Invitae), Labcorp); PubMed 10189220 (cited by Labcorp Genetics (formerly Invitae), Labcorp and Women's Health and Genetics/Laboratory Corporation of America, LabCorp); PubMed 31254424 (cited by Women's Health and Genetics/Laboratory Corporation of America, LabCorp).

NM_000152.5(GAA):c.1441del (p.Trp481fs)

Gene: GAA (alpha glucosidase; plus strand). Cytogenetic location: 17q25.3.
Variant type: Deletion.
Coding change: c.1441del on transcript NM_000152.5 (MANE Select); coding-DNA position 1441, one base deleted (T; older notation c.1441delT).
Protein change: p.Trp481fs; shifts the reading frame from tryptophan 481.
Molecular consequence: frameshift variant.
Genome position (GRCh38, 1-based): chr17:80,110,730, T deleted. VCF-style (leftmost placement, unchanged base first): chr17-80110729-AT-A. GRCh37 (hg19) VCF-style: chr17-78084528-AT-A.
Other names: c.1441del (NM_000152.3); c.1441delT (NM_000152.4); c.1441del, p.Trp481fs (NM_001079803.3, NM_001079804.3); short protein forms W481fs.
Identifiers: ClinVar variation 972761 (VCV000972761.15), dbSNP rs1403500889, ClinGen allele CA627699575.
Genomic context (GRCh38, chr17:80,110,729, plus strand): 5'-CTTCCATGCAGGCCCTGGGTGGGGCCGGGTCTCCCCACTGCAGCCTCTCGTTGTCCAGGT[AT>A]GGCCCGGGTCCACTGCCTTCCCCGACTTCACCAACCCCACAGCCCTGGCCTGGTGGGAGG-3'